The following is an entry in ClinVar:

NM_199420.4(POLQ):c.7414A>G (p.Ile2472Val)

Gene: POLQ (DNA polymerase theta; minus strand). Cytogenetic location: 3q13.33.
Variant type: single nucleotide variant.
Coding change: c.7414A>G on transcript NM_199420.4 (MANE Select); coding-DNA position 7414, A replaced by G.
Protein change: p.Ile2472Val; replaces isoleucine 2472 with valine.
Molecular consequence: missense variant.
Genome position (GRCh38, 1-based): chr3:121,436,251, T>C on the plus strand (A>G on the coding strand, the complement: POLQ is on the minus strand). VCF-style: chr3-121436251-T-C. GRCh37 (hg19) VCF-style: chr3-121155098-T-C.
Other names: short protein forms I2472V.
Identifiers: ClinVar variation 1758798 (VCV001758798.3), dbSNP rs777723774, ClinGen allele CA2562175.

ClinVar aggregate classification (germline): Uncertain significance (1 of 4 stars; one submission).

Allele frequency attached by ClinVar (database versions not stated): gnomAD exomes 0.00001; TOPMed 0.00002; ExAC 0.00002; gnomAD 0.00002.
gnomAD v4.1: 10 of 1,613,784 alleles (0.00062%); highest among the groups gnomAD compares: Non-Finnish European, 0.00076%; no homozygotes.

Submission:

Ambry Genetics
Classification: Uncertain significance. Last evaluated: 2023-07-23. Review status: criteria provided, single submitter. Criteria: Ambry Variant Classification Scheme 2023. Collection method: clinical testing. Allele origin: germline.
Comment: The p.I2472V variant (also known as c.7414A>G), located in coding exon 28 of the POLQ gene, results from an A to G substitution at nucleotide position 7414. The isoleucine at codon 2472 is replaced by valine, an amino acid with highly similar properties. This amino acid position is conserved. In addition, this alteration is predicted to be tolerated by in silico analysis. Since supporting evidence is limited at this time, the clinical significance of this alteration remains unclear.